The following is an entry in ClinVar:

NM_139027.6(ADAMTS13):c.1262G>C (p.Arg421Pro)

Gene: ADAMTS13 (ADAM metallopeptidase with thrombospondin type 1 motif 13; plus strand). Cytogenetic location: 9q34.2.
Variant type: single nucleotide variant.
Coding change: c.1262G>C on transcript NM_139027.6 (MANE Select); coding-DNA position 1262, G replaced by C.
Protein change: p.Arg421Pro; replaces arginine 421 with proline.
Molecular consequence: missense variant.
Genome position (GRCh38, 1-based): chr9:133,433,658, G>C. VCF-style: chr9-133433658-G-C. GRCh37 (hg19) VCF-style: chr9-136298778-G-C.
Other names: p.Arg421Pro; c.1262G>C, p.Arg421Pro (NM_139025.5); c.1169G>C, p.Arg390Pro (NM_139026.6); short protein forms R421P, R390P.
Identifiers: ClinVar variation 1911111 (VCV001911111.6), dbSNP rs782541751, ClinGen allele CA200927197.
Genomic context (GRCh38, chr9:133,433,658, plus strand): 5'-GTCACCCTGCTCTCTCACCCTCCTGTCTGCTGGGCATTTTCAGACCTGCCTTTGGGGGGC[G>C]TGCATGTGTTGGTGCTGACCTCCAGGCCGAGATGTGCAACACTCAGGTAGGCCTGCTTCC-3'
Protein context (NP_620596.2, residues 411-431): CNNPRPAFGG[Arg421Pro]ACVGADLQAE

ClinVar aggregate classification (germline): Uncertain significance. Review status: criteria provided, multiple submitters, no conflicts (2 of 4 stars). 3 submissions from 3 submitters: Uncertain significance (3). Last evaluated 2025-03-12.

Conditions:
Upshaw-Schulman syndrome (TTP). Also called: Congenital thrombotic thrombocytopenic purpura; THROMBOTIC THROMBOCYTOPENIC PURPURA, HEREDITARY. Identifiers: Orphanet 93583, MedGen C1268935, MONDO:0010122, OMIM 274150.

Submissions (3):

Mayo Clinic Laboratories, Mayo Clinic
Classification: Uncertain significance. Last evaluated: 2025-03-12. Review status: criteria provided, single submitter. Criteria: ACMG Guidelines, 2015. Collection method: clinical testing. Allele origin: germline. Observed: 1 variant allele.
Comment: BP4_moderate

Fulgent Genetics
Classification: Uncertain significance for Upshaw-Schulman syndrome. Last evaluated: 2024-05-08. Review status: criteria provided, single submitter. Criteria: ACMG Guidelines, 2015. Collection method: clinical testing. Allele origin: germline.

Labcorp Genetics (formerly Invitae), Labcorp
Classification: Uncertain significance. Last evaluated: 2022-12-06. Review status: criteria provided, single submitter. Criteria: Invitae Variant Classification Sherloc (09022015). Collection method: clinical testing. Allele origin: germline.
Comment: This sequence change replaces arginine, which is basic and polar, with proline, which is neutral and non-polar, at codon 421 of the ADAMTS13 protein (p.Arg421Pro). This variant is present in population databases (rs782541751, gnomAD 0.02%). This variant has not been reported in the literature in individuals affected with ADAMTS13-related conditions. Advanced modeling of protein sequence and biophysical properties (such as structural, functional, and spatial information, amino acid conservation, physicochemical variation, residue mobility, and thermodynamic stability) performed at Invitae indicates that this missense variant is expected to disrupt ADAMTS13 protein function. In summary, the available evidence is currently insufficient to determine the role of this variant in disease. Therefore, it has been classified as a Variant of Uncertain Significance.